The following is an entry in ClinVar:

ClinVar aggregate classification (germline): Uncertain significance (1 of 4 stars; one submission).

Conditions:
Inborn genetic diseases. Identifiers: MedGen C0950123, MeSH D030342.

Submission:

Ambry Genetics
Classification: Uncertain significance for Inborn genetic diseases. Last evaluated: 2025-12-22. Review status: criteria provided, single submitter. Criteria: Ambry Variant Classification Scheme 2023. Collection method: clinical testing. Allele origin: germline.
Comment: The p.D846E variant (also known as c.2538T>A), located in coding exon 1 of the SAMD9L gene, results from a T to A substitution at nucleotide position 2538. The aspartic acid at codon 846 is replaced by glutamic acid, an amino acid with highly similar properties. This amino acid position is conserved. In addition, this alteration is predicted to be tolerated by in silico analysis. Based on the available evidence, the clinical significance of this variant remains unclear.

NM_152703.5(SAMD9L):c.2538T>A (p.Asp846Glu)

Gene: SAMD9L (sterile alpha motif domain containing 9 like; minus strand). Cytogenetic location: 7q21.2.
Variant type: single nucleotide variant.
Coding change: c.2538T>A on transcript NM_152703.5 (MANE Select); coding-DNA position 2538, T replaced by A.
Protein change: p.Asp846Glu; replaces aspartic acid 846 with glutamic acid.
Molecular consequence: missense variant.
Genome position (GRCh38, 1-based): chr7:93,133,434, A>T on the plus strand (T>A on the coding strand, the complement: SAMD9L is on the minus strand). VCF-style: chr7-93133434-A-T. GRCh37 (hg19) VCF-style: chr7-92762747-A-T.
Other names: c.2538T>A, p.Asp846Glu (NM_001303496.3, NM_001303497.3, NM_001303498.3 and 5 more transcripts); short protein forms D846E.
Identifiers: ClinVar variation 4842008 (VCV004842008.1).